The following is an entry in ClinVar:

ClinVar aggregate classification (germline): Pathogenic/Likely pathogenic. Review status: criteria provided, multiple submitters, no conflicts (2 of 4 stars). 6 submissions from 6 submitters: Pathogenic (4); Likely pathogenic (2). Last evaluated 2026-01-16.

Conditions:
Hereditary breast ovarian cancer syndrome. Also called: BRCA1- and BRCA2-Associated Hereditary Breast and Ovarian Cancer; Hereditary breast and ovarian cancer syndrome; Hereditary breast and/or ovarian cancer syndrome; Hereditary breast and ovarian cancer; Hereditary breast and ovarian cancer syndrome (HBOC); Breast and ovarian cancer. Identifiers: Orphanet 145, MedGen C0677776, MeSH D061325, MONDO:0003582. Disease mechanism: loss of function.
Familial cancer of breast. Also called: hereditary breast carcinoma; BREAST CANCER, FAMILIAL; Hereditary breast cancer. Identifiers: Orphanet 227535, MedGen C0346153, MONDO:0016419, OMIM 114480. Disease mechanism: loss of function.
Hereditary cancer-predisposing syndrome. Also called: Tumor predisposition; Neoplastic Syndromes, Hereditary; Hereditary Cancer Syndrome; Hereditary neoplastic syndrome. Identifiers: Orphanet 140162, MedGen C0027672, MeSH D009386, MONDO:0015356.

Submissions (6):

Labcorp Genetics (formerly Invitae), Labcorp
Classification: Pathogenic for Hereditary breast ovarian cancer syndrome. Last evaluated: 2026-01-16. Review status: criteria provided, single submitter. Criteria: Invitae Variant Classification Sherloc (09022015). Collection method: clinical testing. Allele origin: germline.
Comment: This sequence change creates a premature translational stop signal (p.Thr1684Tyrfs*5) in the BRCA2 gene. It is expected to result in an absent or disrupted protein product. Loss-of-function variants in BRCA2 are known to be pathogenic (PMID: 20104584). This variant is not present in population databases (gnomAD no frequency). This variant has not been reported in the literature in individuals affected with BRCA2-related conditions. ClinVar contains an entry for this variant (Variation ID: 801110). For these reasons, this variant has been classified as Pathogenic.

Women's Health and Genetics/Laboratory Corporation of America, LabCorp
Classification: Pathogenic for Hereditary breast ovarian cancer syndrome. Last evaluated: 2025-10-28. Review status: criteria provided, single submitter. Criteria: LabCorp Variant Classification Summary - May 2015. Collection method: clinical testing. Allele origin: germline.
Comment: Variant summary: BRCA2 c.5049_5050insT (p.Thr1684TyrfsX5) results in a premature termination codon, predicted to cause a truncation of the encoded protein or absence of the protein due to nonsense mediated decay, which are commonly known mechanisms for disease. The variant was absent in 237770 control chromosomes. To our knowledge, no occurrence of c.5049_5050insT in individuals affected with BRCA2-related conditions and no experimental evidence demonstrating its impact on protein function have been reported. ClinVar contains an entry for this variant (Variation ID: 801110). Based on the evidence outlined above, the variant was classified as pathogenic.

Molecular Diagnostics Laboratory, Catalan Institute of Oncology
Classification: Pathogenic for Hereditary cancer-predisposing syndrome. Last evaluated: 2025-05-22. Review status: criteria provided, single submitter. Criteria: ClinGen BRCA1BRCA2 ACMG Specifications BRCA2 V1.0.0. Collection method: clinical testing. Allele origin: germline.
Comment: PVS1, PM5_PTC_Strong c.5049_5050insT, located in exon 11 of the BRCA2 gene, consists in the insertion of 1 nucleotide, causing a translational frameshift with a predicted alternate stop codon p.(Thr1684Tyrfs*5).This alteration is expected to result in loss of function by premature protein truncation and nonsense-mediated mRNA decay (PVS1, PM5_PTC_Strong). It is not present in the population database gnomAD v2.1.1, exome non cancer dataset. The SpliceAI algorithm predicts no effect on splicing. To our knowledge, functional studies have not been reported for this variant. Also, his variant has been reported in ClinVar database (2x pathogenic, 2x likely pathogenic) and in BRCA Exchange database as �not yet reviewed� but is not present in the LOVD database. Based on currently available information, the variant c.5049_5050insT is classified as a pathogenic variant according to ClinGen-BRCA1 and BRCA2 Guidelines version 1.0.0.

Ambry Genetics
Classification: Pathogenic for Hereditary cancer-predisposing syndrome. Last evaluated: 2025-04-28. Review status: criteria provided, single submitter. Criteria: Ambry Variant Classification Scheme 2023. Collection method: clinical testing. Allele origin: germline.
Comment: The c.5049_5050insT pathogenic mutation, located in coding exon 10 of the BRCA2 gene, results from an insertion of one nucleotide at position 5049, causing a translational frameshift with a predicted alternate stop codon (p.T1684Yfs*5). This variant is considered to be rare based on population cohorts in the Genome Aggregation Database (gnomAD). This alteration is expected to result in loss of function by premature protein truncation or nonsense-mediated mRNA decay. As such, this alteration is interpreted as a disease-causing mutation.

Quest Diagnostics Nichols Institute San Juan Capistrano
Classification: Likely pathogenic. Last evaluated: 2024-02-06. Review status: criteria provided, single submitter. Criteria: Quest Diagnostics criteria. Collection method: clinical testing. Allele origin: unknown.
Comment: The BRCA2 c.5049_5050insT (p.Thr1684Tyrfs*5) variant alters the translational reading frame of the BRCA2 mRNA and is predicted to cause the premature termination of BRCA2 protein synthesis. This variant has not been reported in individuals with BRCA2-related conditions in the published literature. This variant has not been reported in large, multi-ethnic general populations (Genome Aggregation Database). Based on the available information, this variant is classified as likely pathogenic.

Baylor Genetics
Classification: Likely pathogenic for Familial cancer of breast. Last evaluated: 2023-03-21. Review status: criteria provided, single submitter. Criteria: ACMG Guidelines, 2015. Collection method: clinical testing. Allele origin: unknown.

Literature cited by the submitters: PubMed 20104584 (cited by Labcorp Genetics (formerly Invitae), Labcorp).

NM_000059.4(BRCA2):c.5049_5050insT (p.Thr1684fs)

Gene: BRCA2 (BRCA2 DNA repair associated; plus strand). Cytogenetic location: 13q13.1.
Variant type: Insertion.
Coding change: c.5049_5050insT on transcript NM_000059.4 (MANE Select); coding-DNA positions 5049 to 5050, T inserted.
Protein change: p.Thr1684fs; shifts the reading frame from threonine 1684.
Molecular consequence: frameshift variant.
Genome position: GRCh38 VCF-style: chr13-32339404-G-GT. GRCh37 (hg19) VCF-style: chr13-32913541-G-GT.
Other names: short protein forms T1684fs.
Identifiers: ClinVar variation 801110 (VCV000801110.14), dbSNP rs1593904263, ClinGen allele CA915948484.